The following is an entry in ClinVar:

ClinVar aggregate classification (germline): Uncertain significance (1 of 4 stars; one submission).

gnomAD v4.1: 10 of 1,609,436 alleles (0.00062%); highest among the groups gnomAD compares: Middle Eastern, 0.016%; no homozygotes.

Submission:

Labcorp Genetics (formerly Invitae), Labcorp
Classification: Uncertain significance. Last evaluated: 2024-04-06. Review status: criteria provided, single submitter. Criteria: Invitae Variant Classification Sherloc (09022015). Collection method: clinical testing. Allele origin: germline.
Comment: This sequence change replaces arginine, which is basic and polar, with leucine, which is neutral and non-polar, at codon 888 of the SBF1 protein (p.Arg888Leu). This variant is present in population databases (rs201519518, gnomAD 0.001%). This variant has not been reported in the literature in individuals affected with SBF1-related conditions. ClinVar contains an entry for this variant (Variation ID: 1969998). Advanced modeling of protein sequence and biophysical properties (such as structural, functional, and spatial information, amino acid conservation, physicochemical variation, residue mobility, and thermodynamic stability) performed at Invitae indicates that this missense variant is not expected to disrupt SBF1 protein function with a negative predictive value of 80%. In summary, the available evidence is currently insufficient to determine the role of this variant in disease. Therefore, it has been classified as a Variant of Uncertain Significance.

NM_002972.4(SBF1):c.2663G>T (p.Arg888Leu)

Gene: SBF1 (SET binding factor 1; minus strand). Cytogenetic location: 22q13.33.
Variant type: single nucleotide variant.
Coding change: c.2663G>T on transcript NM_002972.4 (MANE Select); coding-DNA position 2663, G replaced by T.
Protein change: p.Arg888Leu; replaces arginine 888 with leucine.
Molecular consequence: missense variant.
Genome position (GRCh38, 1-based): chr22:50,461,699, C>A on the plus strand (G>T on the coding strand, the complement: SBF1 is on the minus strand). VCF-style: chr22-50461699-C-A. GRCh37 (hg19) VCF-style: chr22-50900128-C-A.
Other names: c.2666G>T, p.Arg889Leu (NM_001365819.1, NM_001410794.1); c.2663G>T, p.Arg888Leu (NM_001410795.1, NM_197971.1); short protein forms R889L, R888L.
Identifiers: ClinVar variation 1969998 (VCV001969998.5), dbSNP rs201519518, ClinGen allele CA10317097.
Genomic context (GRCh38, chr22:50,461,699, plus strand): 5'-CCATCCGGCAGCAGGTAGACGCGCAGGCCGTCCAGCACACACTCCTCACCCGGCAGCAGG[C>A]GCGGCCGCAGCAGCTTGGGCTGCTCGAAAACAAGAGCAGGAGCTCAGGATGCAGCCCGGG-3'
Protein context (NP_002963.2, residues 878-898): PIQKPKLLRP[Arg888Leu]LLPGEECVLD